The following is an entry in ClinVar:

NM_014000.3(VCL):c.377T>C (p.Phe126Ser)

Gene: VCL (vinculin; plus strand). Cytogenetic location: 10q22.2.
Variant type: single nucleotide variant.
Coding change: c.377T>C on transcript NM_014000.3 (MANE Select); coding-DNA position 377, T replaced by C.
Protein change: p.Phe126Ser; replaces phenylalanine 126 with serine.
Molecular consequence: missense variant.
Genome position (GRCh38, 1-based): chr10:74,070,807, T>C. VCF-style: chr10-74070807-T-C. GRCh37 (hg19) VCF-style: chr10-75830565-T-C.
Other names: c.377T>C, p.Phe126Ser (NM_003373.4); short protein forms F126S.
Identifiers: ClinVar variation 4842806 (VCV004842806.1).

ClinVar aggregate classification (germline): Uncertain significance (1 of 4 stars; one submission).

Conditions:
Cardiovascular phenotype. Identifiers: MedGen CN230736.

gnomAD v4.1: 3 of 1,614,100 alleles (0.00019%); highest among the groups gnomAD compares: Non-Finnish European, 0.00025%; no homozygotes.

Submission:

Ambry Genetics
Classification: Uncertain significance for Cardiovascular phenotype. Last evaluated: 2025-12-19. Review status: criteria provided, single submitter. Criteria: Ambry Variant Classification Scheme 2023. Collection method: clinical testing. Allele origin: germline.
Comment: The p.F126S variant (also known as c.377T>C), located in coding exon 3 of the VCL gene, results from a T to C substitution at nucleotide position 377. The phenylalanine at codon 126 is replaced by serine, an amino acid with highly dissimilar properties. This amino acid position is conserved. In addition, this alteration is predicted to be deleterious by in silico analysis. Based on the available evidence, the clinical significance of this variant remains unclear.